The following is an entry in ClinVar:

ClinVar aggregate classification (germline): Likely benign (0 of 4 stars; one submission).

Conditions:
LEPR-related disorder. Also called: LEPR-related condition; LEPR-related disorders.

Submission:

PreventionGenetics, part of Exact Sciences
Classification: Likely benign for LEPR-related condition. Last evaluated: 2024-07-10. Review status: no assertion criteria provided. Collection method: clinical testing. Allele origin: germline.
Comment: This variant is classified as likely benign based on ACMG/AMP sequence variant interpretation guidelines (Richards et al. 2015 PMID: 25741868, with internal and published modifications).

NM_002303.6(LEPR):c.3348C>T (p.Leu1116=)

Gene: LEPR (leptin receptor; plus strand). Cytogenetic location: 1p31.3.
Variant type: single nucleotide variant.
Coding change: c.3348C>T on transcript NM_002303.6 (MANE Select); coding-DNA position 3348, C replaced by T.
Protein change: p.Leu1116=; no amino-acid change (leucine 1116 retained).
Molecular consequence: synonymous variant.
Genome position (GRCh38, 1-based): chr1:65,636,865, C>T. VCF-style: chr1-65636865-C-T. GRCh37 (hg19) VCF-style: chr1-66102548-C-T.
Identifiers: ClinVar variation 3346844 (VCV003346844.1).